The following is an entry in ClinVar:

ClinVar aggregate classification (germline): Benign/Likely benign. Review status: criteria provided, multiple submitters, no conflicts (2 of 4 stars). 3 submissions from 3 submitters: Benign (1); Likely benign (2). Last evaluated 2024-11-18.

Allele frequency attached by ClinVar (database versions not stated): ExAC 0.00002; gnomAD 0.00002; gnomAD exomes 0.00002; TOPMed 0.00003; 1000 Genomes Project 30x 0.00016; 1000 Genomes Project 0.00020.
gnomAD v4.1: 30 of 1,614,168 alleles (0.0019%); highest among the groups gnomAD compares: Middle Eastern, 0.066%; no homozygotes.

Submissions (3):

Labcorp Genetics (formerly Invitae), Labcorp
Classification: Benign. Last evaluated: 2024-11-18. Review status: criteria provided, single submitter. Criteria: Invitae Variant Classification Sherloc (09022015). Collection method: clinical testing. Allele origin: germline.

Blueprint Genetics
Classification: Likely benign. Last evaluated: 2024-08-12. Review status: criteria provided, single submitter. Criteria: ACMG Guidelines, 2015. Collection method: clinical testing. Allele origin: germline.

CeGaT Center for Human Genetics Tuebingen
Classification: Likely benign. Last evaluated: 2024-07-01. Review status: criteria provided, single submitter. Criteria: CeGaT Center For Human Genetics Tuebingen Variant Classification Criteria Version 2. Collection method: clinical testing. Allele origin: germline. Affected: yes. Observed: 1 variant allele.
Comment: KMT2C: BP4, BP7

NM_170606.3(KMT2C):c.10173T>C (p.Phe3391=)

Gene: KMT2C (lysine methyltransferase 2C; minus strand). Cytogenetic location: 7q36.1.
Variant type: single nucleotide variant.
Coding change: c.10173T>C on transcript NM_170606.3 (MANE Select); coding-DNA position 10173, T replaced by C.
Protein change: p.Phe3391=; no amino-acid change (phenylalanine 3391 retained).
Molecular consequence: synonymous variant.
Genome position (GRCh38, 1-based): chr7:152,163,404, A>G on the plus strand (T>C on the coding strand, the complement: KMT2C is on the minus strand). VCF-style: chr7-152163404-A-G. GRCh37 (hg19) VCF-style: chr7-151860489-A-G.
Identifiers: ClinVar variation 2188861 (VCV002188861.22), dbSNP rs190621665, ClinGen allele CA4579341.